The following is an entry in ClinVar:

ClinVar aggregate classification (germline): Likely benign. Review status: criteria provided, multiple submitters, no conflicts (2 of 4 stars). 3 submissions from 3 submitters: Likely benign (3). Last evaluated 2025-03-23.

Conditions:
Malignant hyperthermia, susceptibility to, 5 (MHS5). Also called: CACNA1S-Related Malignant Hyperthermia Susceptibility. Identifiers: Orphanet 423, MedGen C1866077, MONDO:0011163, OMIM 601887.
Hypokalemic periodic paralysis, type 1. Also called: Hypokalemic Periodic Paralysis Type 1 (AD); HypoPP. Identifiers: Orphanet 681, MedGen C3714580, MONDO:0042979, OMIM 170400.

Allele frequency attached by ClinVar (database versions not stated): gnomAD exomes 0.00001.

Submissions (3):

Labcorp Genetics (formerly Invitae), Labcorp
Classification: Likely benign for Hypokalemic periodic paralysis, type 1; Malignant hyperthermia, susceptibility to, 5. Last evaluated: 2025-03-23. Review status: criteria provided, single submitter. Criteria: Invitae Variant Classification Sherloc (09022015). Collection method: clinical testing. Allele origin: germline.

All of Us Research Program, National Institutes of Health
Classification: Likely benign for Malignant hyperthermia, susceptibility to, 5. Last evaluated: 2023-12-13. Review status: criteria provided, single submitter. Criteria: ACMG Guidelines, 2015. Collection method: clinical testing. Allele origin: germline. Inheritance: Autosomal dominant inheritance. Observed: 3 variant alleles, 3 heterozygotes.
Comment: This study involves interpretation of variants in research participants for the purpose of population health screening. Participant phenotype was not available at the time of variant classification. Additional details can be found in publication PMID: 35346344, PMCID: PMC8962531

Color Diagnostics, LLC DBA Color Health
Classification: Likely benign for Malignant hyperthermia, susceptibility to, 5. Last evaluated: 2022-11-06. Review status: criteria provided, single submitter. Criteria: ACMG Guidelines, 2015. Collection method: clinical testing. Allele origin: germline.

NM_000069.3(CACNA1S):c.2325A>G (p.Glu775=)

Gene: CACNA1S (calcium voltage-gated channel subunit alpha1 S; minus strand). Cytogenetic location: 1q32.1.
Variant type: single nucleotide variant.
Coding change: c.2325A>G on transcript NM_000069.3 (MANE Select); coding-DNA position 2325, A replaced by G.
Protein change: p.Glu775=; no amino-acid change (glutamic acid 775 retained).
Molecular consequence: synonymous variant.
Genome position (GRCh38, 1-based): chr1:201,070,307, T>C on the plus strand (A>G on the coding strand, the complement: CACNA1S is on the minus strand). VCF-style: chr1-201070307-T-C. GRCh37 (hg19) VCF-style: chr1-201039435-T-C.
Identifiers: ClinVar variation 1563431 (VCV001563431.10), dbSNP rs2102132493, ClinGen allele CA422688038.
Genomic context (GRCh38, chr1:201,070,307, plus strand): 5'-CCCACAGCAGCCAAGGGGCACCCACTTATTGGTGGGGCTGAAGATGAAGAAGGAGCTGGC[T>C]TCTGGAATGGGCACGGCCTTCTCTTTCAGCTGCAGCTCAGCCAGGGGACGTGGTCGGGGG-3'
Protein context (NP_000060.2, residues 765-785): QLKEKAVPIP[Glu775=]ASSFFIFSPT